The following is an entry in ClinVar:

ClinVar aggregate classification (germline): Benign/Likely benign. Review status: criteria provided, multiple submitters, no conflicts (2 of 4 stars). 2 submissions from 2 submitters: Benign (1); Likely benign (1). Last evaluated 2026-01-11.

Conditions:
Autosomal recessive osteopetrosis 5. Identifiers: Orphanet 85179, MedGen C1968603, MONDO:0009817, OMIM 259720.

Allele frequency attached by ClinVar (database versions not stated): gnomAD 0.00014 and 0.00031; TOPMed 0.00021; gnomAD exomes 0.00022 and 0.00057; ExAC 0.00083; 1000 Genomes Project 30x 0.00219; 1000 Genomes Project 0.00240.
gnomAD v4.1: 407 of 1,606,332 alleles (0.025%); highest among the groups gnomAD compares: East Asian, 0.53%; 2 homozygotes.

Submissions (2):

Labcorp Genetics (formerly Invitae), Labcorp
Classification: Benign. Last evaluated: 2026-01-11. Review status: criteria provided, single submitter. Criteria: Invitae Variant Classification Sherloc (09022015). Collection method: clinical testing. Allele origin: germline.

Illumina Laboratory Services, Illumina
Classification: Likely benign for Autosomal recessive osteopetrosis 5. Last evaluated: 2018-01-13. Review status: criteria provided, single submitter. Criteria: ICSL Variant Classification Criteria 13 December 2019. Collection method: clinical testing. Allele origin: germline.
Comment: This variant was observed in the ICSL laboratory as part of a predisposition screen in an ostensibly healthy population. It had not been previously curated by ICSL or reported in the Human Gene Mutation Database (HGMD: prior to June 1st, 2018), and was therefore a candidate for classification through an automated scoring system. Utilizing variant allele frequency, disease prevalence and penetrance estimates, and inheritance mode, an automated score was calculated to assess if this variant is too frequent to cause the disease. Based on the score and internal cut-off values, a variant classified as likely benign is not then subjected to further curation. The score for this variant resulted in a classification of likely benign for this disease.

NM_014028.4(OSTM1):c.300G>T (p.Gly100=)

Gene: OSTM1 (osteoclastogenesis associated transmembrane protein 1; minus strand). Cytogenetic location: 6q21.
Variant type: single nucleotide variant.
Coding change: c.300G>T on transcript NM_014028.4 (MANE Select); coding-DNA position 300, G replaced by T.
Protein change: p.Gly100=; no amino-acid change (glycine 100 retained).
Molecular consequence: synonymous variant.
Genome position (GRCh38, 1-based): chr6:108,074,352, C>A on the plus strand (G>T on the coding strand, the complement: OSTM1 is on the minus strand). VCF-style: chr6-108074352-C-A. GRCh37 (hg19) VCF-style: chr6-108395556-C-A.
Identifiers: ClinVar variation 354989 (VCV000354989.13), dbSNP rs199570880, ClinGen allele CA3948098.
Genomic context (GRCh38, chr6:108,074,352, plus strand): 5'-TTGGAAGAGGGGGTAGCAGGTCTGACAGAGGCGCACGGGCCGGGCGCTGCGCACCAGACA[C>A]CCTGTCAGCTCTGCGCTGCTGTTGGCGAAGTCCAGCAGGAGCTCCCGGCACTCAGGATCC-3'
Protein context (NP_054747.2, residues 90-110): DFANSSAELT[Gly100=]CLVRSARPVR